The following is an entry in ClinVar:

ClinVar aggregate classification (germline): Uncertain significance (1 of 4 stars; one submission).

Conditions:
Nemaline myopathy 2 (NEM2). Also called: Nemaline myopathy 2, autosomal recessive. Identifiers: MedGen C1850569, MONDO:0009725, OMIM 256030.

Submission:

Labcorp Genetics (formerly Invitae), Labcorp
Classification: Uncertain significance for Nemaline myopathy 2. Last evaluated: 2022-06-27. Review status: criteria provided, single submitter. Criteria: Invitae Variant Classification Sherloc (09022015). Collection method: clinical testing. Allele origin: germline.
Comment: Algorithms developed to predict the effect of missense changes on protein structure and function are either unavailable or do not agree on the potential impact of this missense change (SIFT: "Deleterious"; PolyPhen-2: "Not Available"; Align-GVGD: "Class C0"). This variant has not been reported in the literature in individuals affected with NEB-related conditions. This variant is not present in population databases (gnomAD no frequency). This sequence change replaces lysine, which is basic and polar, with histidine, which is basic and polar, at codon 2613 of the NEB protein (p.Lys2613His). In summary, the available evidence is currently insufficient to determine the role of this variant in disease. Therefore, it has been classified as a Variant of Uncertain Significance.

NM_001164508.2(NEB):c.7837_7839delinsCAC (p.Lys2613His)

Gene: NEB (nebulin; minus strand). Cytogenetic location: 2q23.3.
Variant type: Indel.
Coding change: c.7837_7839delinsCAC on transcript NM_001164508.2 (MANE Select); coding-DNA positions 7837 to 7839, AAG replaced by CAC.
Protein change: p.Lys2613His; replaces lysine 2613 with histidine.
Molecular consequence: missense variant.
Genome position (GRCh38, 1-based): chr2:151,643,935-151,643,937, CTT replaced by GTG on the plus strand (AAG replaced by CAC on the coding strand, the reverse complement: NEB is on the minus strand). VCF-style: chr2-151643935-CTT-GTG. GRCh37 (hg19) VCF-style: chr2-152500449-CTT-GTG.
Other names: c.7837_7839delinsCAC, p.Lys2613His (NM_001164507.2, NM_001271208.2, NM_004543.5); short protein forms K2613H.
Identifiers: ClinVar variation 2036538 (VCV002036538.4), dbSNP rs2552247291, ClinGen allele CA2580064038.